The following is an entry in ClinVar:

ClinVar aggregate classification (germline): Conflicting classifications of pathogenicity. Review status: criteria provided, conflicting classifications (1 of 4 stars). 10 submissions from 9 submitters: Uncertain significance (8); Likely benign (2). Last evaluated 2026-10-01.

Conditions:
APOB-related disorder. Also called: APOB-related disorders; APOB-related condition.
Cardiovascular phenotype. Identifiers: MedGen CN230736.
Familial hypobetalipoproteinemia 1. Also called: APOB-Related Familial Hypobetalipoproteinemia; Hypobetalipoproteinemia, normotriglyceridemic; Acanthocytosis with hypobetalipoproteinemia. Identifiers: MedGen C4551990, MONDO:0014252, OMIM 615558.
Hypercholesterolemia, autosomal dominant, type B (FHCL2). Also called: Hyperlipoproteinemia Type IIb; Familial hypercholesterolemia 2; APOB-Related Familial Hypercholesterolemia, Autosomal Dominant; HYPERCHOLESTEROLEMIA, FAMILIAL, DUE TO LIGAND-DEFECTIVE APOLIPOPROTEIN B; Familial Hypercholesterolemia Type B; APOLIPOPROTEIN B-100, FAMILIAL DEFECTIVE. Identifiers: MedGen C1704417, MONDO:0007751, OMIM 144010.

Allele frequency attached by ClinVar (database versions not stated): TOPMed 0.00002; ExAC 0.00003; gnomAD exomes 0.00004.
gnomAD v4.1: 32 of 1,613,896 alleles (0.002%); highest among the groups gnomAD compares: East Asian, 0.0089%; no homozygotes.

Submissions (10):

CeGaT Center for Human Genetics Tuebingen
Classification: Uncertain significance. Last evaluated: 2026-10-01. Review status: criteria provided, single submitter. Criteria: CeGaT Center For Human Genetics Tuebingen Variant Classification Criteria Version 2. Collection method: clinical testing. Allele origin: germline. Affected: yes. Observed: 1 variant allele.
Comment: APOB: PM2, PS4:Supporting

Ambry Genetics
Classification: Uncertain significance for Cardiovascular phenotype. Last evaluated: 2026-06-29. Review status: criteria provided, single submitter. Criteria: Ambry Variant Classification Scheme 2023. Collection method: clinical testing. Allele origin: germline.
Comment: The c.1400C>G (p.A467G) alteration is located in exon 11 (coding exon 11) of the APOB gene. This alteration results from a C to G substitution at nucleotide position 1400, causing the alanine (A) at amino acid position 467 to be replaced by a glycine (G). Based on data from gnomAD, the G allele has an overall frequency of 0.004% (9/251374) total alleles studied. The highest observed frequency was 0.033% (6/18394) of East Asian alleles. Based on insufficient or conflicting evidence, the clinical significance of this alteration remains unclear.

Labcorp Genetics (formerly Invitae), Labcorp
Classification: Likely benign for Familial hypobetalipoproteinemia 1; Hypercholesterolemia, autosomal dominant, type B. Last evaluated: 2025-11-20. Review status: criteria provided, single submitter. Criteria: Invitae Variant Classification Sherloc (09022015). Collection method: clinical testing. Allele origin: germline.

PreventionGenetics, part of Exact Sciences
Classification: Uncertain significance for APOB-related condition. Last evaluated: 2025-10-01. Review status: criteria provided, single submitter. Criteria: ACMG Guidelines, 2015. Collection method: clinical testing. Allele origin: germline.
Comment: The APOB c.1400C>G variant is predicted to result in the amino acid substitution p.Ala467Gly. This variant has been reported in three individuals diagnosed with familial hypercholesterolemia (Razman et al. 2022. PubMed ID: 36499307). This variant is reported in 0.033% of alleles in individuals of East Asian descent in gnomAD. At this time, the clinical significance of this variant is uncertain due to the absence of conclusive functional and genetic evidence.

Blueprint Genetics
Classification: Likely benign. Last evaluated: 2024-10-14. Review status: criteria provided, single submitter. Criteria: ACMG Guidelines, 2015. Collection method: clinical testing. Allele origin: germline.

Department of Pathology and Laboratory Medicine, Sinai Health System
Classification: Uncertain significance for hypercholesterolemia, autosomal dominant, type B. Last evaluated: 2022-12-14. Review status: criteria provided, single submitter. Criteria: ACMG Guidelines, 2015. Collection method: research. Allele origin: germline.

Fulgent Genetics
Classification: Uncertain significance for Hypercholesterolemia, autosomal dominant, type B; Familial hypobetalipoproteinemia 1. Last evaluated: 2021-10-01. Review status: criteria provided, single submitter. Criteria: ACMG Guidelines, 2015. Collection method: clinical testing. Allele origin: unknown.

GeneDx
Classification: Uncertain significance. Last evaluated: 2021-01-07. Review status: criteria provided, single submitter. Criteria: GeneDx Variant Classification Process June 2021. Collection method: clinical testing. Allele origin: germline. Affected: yes.
Comment: Has not been previously published as pathogenic or benign to our knowledge; Reported in ClinVar as a variant of uncertain significance (ClinVar Variant ID# 334172; Landrum et al., 2016); In silico analysis supports that this missense variant has a deleterious effect on protein structure/function

Illumina Laboratory Services, Illumina
Classification: Uncertain significance for Hypercholesterolemia, autosomal dominant, type B. Last evaluated: 2018-01-12. Review status: criteria provided, single submitter. Criteria: ICSL Variant Classification Criteria 13 December 2019. Collection method: clinical testing. Allele origin: germline.

Illumina Laboratory Services, Illumina
Classification: Uncertain significance for Familial hypobetalipoproteinemia 1. Last evaluated: 2018-01-12. Review status: criteria provided, single submitter. Criteria: ICSL Variant Classification Criteria 13 December 2019. Collection method: clinical testing. Allele origin: germline.

NM_000384.3(APOB):c.1400C>G (p.Ala467Gly)

Gene: APOB (apolipoprotein B; minus strand). Cytogenetic location: 2p24.1.
Variant type: single nucleotide variant.
Coding change: c.1400C>G on transcript NM_000384.3 (MANE Select); coding-DNA position 1400, C replaced by G.
Protein change: p.Ala467Gly; replaces alanine 467 with glycine.
Molecular consequence: missense variant.
Genome position (GRCh38, 1-based): chr2:21,029,968, G>C on the plus strand (C>G on the coding strand, the complement: APOB is on the minus strand). VCF-style: chr2-21029968-G-C. GRCh37 (hg19) VCF-style: chr2-21252840-G-C.
Other names: short protein forms A467G.
Identifiers: ClinVar variation 334172 (VCV000334172.29), dbSNP rs376602710, ClinGen allele CA053538.
Genomic context (GRCh38, chr2:21,029,968, plus strand): 5'-AAATAGGTGTAATCTTCATCCCCAGTGCAGTCATCTTGAATCTGTTCCATCAGGTAATTA[G>C]CAATGTCCAGCAGCTCCTGGGTCCCTGTAGGGTTTGTCTTATGATAGCTACAGAATAAGA-3'
Protein context (NP_000375.3, residues 457-477): PTGTQELLDI[Ala467Gly]NYLMEQIQDD